The following is an entry in ClinVar:

ClinVar aggregate classification (germline): Uncertain significance (1 of 4 stars; one submission).

Conditions:
Peroxisome biogenesis disorder 5A (Zellweger) (PBD5A). Identifiers: Orphanet 912, MedGen C3553940, MONDO:0013932, OMIM 614866.

Allele frequency attached by ClinVar (database versions not stated): TOPMed 0.00001; gnomAD 0.00003; gnomAD exomes 0.00004; ExAC 0.00010.
gnomAD v4.1: 59 of 1,614,042 alleles (0.0037%); highest among the groups gnomAD compares: Non-Finnish European, 0.0036%; no homozygotes.

Submission:

Labcorp Genetics (formerly Invitae), Labcorp
Classification: Uncertain significance for Peroxisome biogenesis disorder 5A (Zellweger). Last evaluated: 2025-07-07. Review status: criteria provided, single submitter. Criteria: Invitae Variant Classification Sherloc (09022015). Collection method: clinical testing. Allele origin: germline.
Comment: This sequence change replaces phenylalanine, which is neutral and non-polar, with cysteine, which is neutral and slightly polar, at codon 163 of the PEX2 protein (p.Phe163Cys). This variant is present in population databases (rs781502702, gnomAD 0.02%). This variant has not been reported in the literature in individuals affected with PEX2-related conditions. ClinVar contains an entry for this variant (Variation ID: 2147228). Invitae Evidence Modeling of protein sequence and biophysical properties (such as structural, functional, and spatial information, amino acid conservation, physicochemical variation, residue mobility, and thermodynamic stability) has been performed for this missense variant. However, the output from this modeling did not meet the statistical confidence thresholds required to predict the impact of this variant on PEX2 protein function. In summary, the available evidence is currently insufficient to determine the role of this variant in disease. Therefore, it has been classified as a Variant of Uncertain Significance.

NM_000318.3(PEX2):c.488T>G (p.Phe163Cys)

Gene: PEX2 (peroxisomal biogenesis factor 2; minus strand). Cytogenetic location: 8q21.13.
Variant type: single nucleotide variant.
Coding change: c.488T>G on transcript NM_000318.3 (MANE Select); coding-DNA position 488, T replaced by G.
Protein change: p.Phe163Cys; replaces phenylalanine 163 with cysteine.
Molecular consequence: missense variant.
Genome position (GRCh38, 1-based): chr8:76,983,691, A>C on the plus strand (T>G on the coding strand, the complement: PEX2 is on the minus strand). VCF-style: chr8-76983691-A-C. GRCh37 (hg19) VCF-style: chr8-77895927-A-C.
Other names: c.488T>G, p.Phe163Cys (NM_001079867.2, NM_001172086.2, NM_001172087.2); short protein forms F163C.
Identifiers: ClinVar variation 2147228 (VCV002147228.2), dbSNP rs781502702, ClinGen allele CA4788699.